The following is an entry in ClinVar:

NM_201384.3(PLEC):c.7213C>T (p.Arg2405Cys)

Gene: PLEC (plectin; minus strand). Cytogenetic location: 8q24.3.
Variant type: single nucleotide variant.
Coding change: c.7213C>T on transcript NM_201384.3 (MANE Select); coding-DNA position 7213, C replaced by T.
Protein change: p.Arg2405Cys; replaces arginine 2405 with cysteine.
Molecular consequence: missense variant.
Genome position (GRCh38, 1-based): chr8:143,922,716, G>A on the plus strand (C>T on the coding strand, the complement: PLEC is on the minus strand). VCF-style: chr8-143922716-G-A. GRCh37 (hg19) VCF-style: chr8-144996884-G-A.
Other names: c.7294C>T, p.Arg2432Cys (NM_000445.5); c.7171C>T, p.Arg2391Cys (NM_201378.4); c.7147C>T, p.Arg2383Cys (NM_201379.3); c.7624C>T, p.Arg2542Cys (NM_201380.4); c.7117C>T, p.Arg2373Cys (NM_201381.3); c.7213C>T, p.Arg2405Cys (NM_201382.4); c.7225C>T, p.Arg2409Cys (NM_201383.3); short protein forms R2373C, R2383C, R2391C, R2405C, R2409C, R2432C, R2542C.
Identifiers: ClinVar variation 546528 (VCV000546528.11), dbSNP rs782579294, ClinGen allele CA4925725.
Genomic context (GRCh38, chr8:143,922,716, plus strand): 5'-GGGTGGCGAGCTCCGTGCGGTGCAGCTTCTCACCGATCTCCTCCGCCTGCTTCCGGAAGC[G>A]CTGGGCGTCCTCCTCAGCGCGGGCCTGGGCTCGGCTCATCTCGGCCACACGCAGCTTGAG-3'
Protein context (NP_958786.1, residues 2395-2415): AQARAEEDAQ[Arg2405Cys]FRKQAEEIGE

ClinVar aggregate classification (germline): Uncertain significance. Review status: criteria provided, multiple submitters, no conflicts (2 of 4 stars). 3 submissions from 3 submitters: Uncertain significance (3). Last evaluated 2025-11-19.

Conditions:
Epidermolysis bullosa simplex 5B, with muscular dystrophy (EBS5B). Also called: Epidermolysis bullosa simplex with muscular dystrophy; EPIDERMOLYSIS BULLOSA SIMPLEX AND LIMB-GIRDLE MUSCULAR DYSTROPHY. Identifiers: Orphanet 257, MedGen C2931072, MONDO:0009181, OMIM 226670.
Epidermolysis bullosa simplex 5C, with pyloric atresia (EBS5C). Also called: Epidermolysis bullosa simplex with pyloric atresia; PLEC-Related Epidermolysis Bullosa with Pyloric Atresia; PLEC1-Related Epidermolysis Bullosa with Pyloric Atresia. Identifiers: Orphanet 158684, MedGen C2677349, MONDO:0012807, OMIM 612138.
Autosomal recessive limb-girdle muscular dystrophy type 2Q (LGMDR17). Also called: MUSCULAR DYSTROPHY, LIMB-GIRDLE, AUTOSOMAL RECESSIVE 17. Identifiers: Orphanet 254361, MedGen C3150989, MONDO:0013390, OMIM 613723.
Epidermolysis bullosa simplex with nail dystrophy (EBS5D). Identifiers: MedGen C4225309, MONDO:0014661, OMIM 616487.
Epidermolysis bullosa simplex, Ogna type (EBS5A). Also called: Pidermolysis bullosa simplex 5A, Ogna type; EPIDERMOLYSIS BULLOSA SIMPLEX 5A, OGNA TYPE. Identifiers: Orphanet 79401, MedGen C0432317, MONDO:0007555, OMIM 131950.

Allele frequency attached by ClinVar (database versions not stated): gnomAD exomes 0.00001 and 0.00004; ExAC 0.00002; gnomAD 0.00003; TOPMed 0.00003.

Submissions (3):

Labcorp Genetics (formerly Invitae), Labcorp
Classification: Uncertain significance for Autosomal recessive limb-girdle muscular dystrophy type 2Q; Epidermolysis bullosa simplex, Ogna type; Epidermolysis bullosa simplex with nail dystrophy; Epidermolysis bullosa simplex 5C, with pyloric atresia; Epidermolysis bullosa simplex 5B, with muscular dystrophy. Last evaluated: 2025-11-19. Review status: criteria provided, single submitter. Criteria: Invitae Variant Classification Sherloc (09022015). Collection method: clinical testing. Allele origin: germline.
Comment: This sequence change replaces arginine, which is basic and polar, with cysteine, which is neutral and slightly polar, at codon 2432 of the PLEC protein (p.Arg2432Cys). This variant is present in population databases (rs782579294, gnomAD 0.01%). This variant has not been reported in the literature in individuals affected with PLEC-related conditions. ClinVar contains an entry for this variant (Variation ID: 546528). An algorithm developed to predict the effect of missense changes on protein structure and function (PolyPhen-2) suggests that this variant is likely to be disruptive. In summary, the available evidence is currently insufficient to determine the role of this variant in disease. Therefore, it has been classified as a Variant of Uncertain Significance.

Revvity Omics, Revvity
Classification: Uncertain significance. Last evaluated: 2019-02-27. Review status: criteria provided, single submitter. Criteria: ACMG Guidelines, 2015. Collection method: clinical testing. Allele origin: germline.

GeneDx
Classification: Uncertain significance. Last evaluated: 2018-05-30. Review status: criteria provided, single submitter. Criteria: GeneDx Variant Classification (06012015). Collection method: clinical testing. Allele origin: germline. Affected: yes.
Comment: A variant of uncertain significance has been identified in the PLEC gene. The R2432C variant has not been published as a pathogenic variant, nor has it been reported as a benign variant to our knowledge. The R2432C variant is observed in 2/14948 (0.01%) alleles from individuals of African background in large population cohorts (Lek et al., 2016). The R2432C variant is a non-conservative amino acid substitution, which is likely to impact secondary protein structure as these residues differ in polarity, charge, size and/or other properties. In-silico analyses, including protein predictors and evolutionary conservation, support a deleterious effect. Based on the currently available information, it is unclear whether this variant is a pathogenic variant or a rare benign variant.